The following is an entry in ClinVar:

ClinVar aggregate classification (germline): Benign. Review status: criteria provided, multiple submitters, no conflicts (2 of 4 stars). 6 submissions from 4 submitters: Benign (6). Last evaluated 2025-10-22.

Conditions:
Pallister-Hall syndrome (PHS). Also called: HYPOTHALAMIC HAMARTOBLASTOMA, HYPOPITUITARISM, IMPERFORATE ANUS, AND POSTAXIAL POLYDACTYLY; GLI3-Related Pallister-Hall Syndrome. Identifiers: Orphanet 672, MedGen C0265220, MONDO:0007804, OMIM 146510.
Greig cephalopolysyndactyly syndrome (GCPS). Also called: GLI3-Related Greig Cephalopolysyndactyly Syndrome; POLYSYNDACTYLY WITH PECULIAR SKULL SHAPE; Greig syndrome. Identifiers: Orphanet 380, MedGen C0265306, MONDO:0008287, OMIM 175700.
Polydactyly. Also called: polydactylism. Identifiers: MedGen C0152427, MONDO:0021003, OMIM 603596, HP:0010442.

Allele frequency attached by ClinVar (database versions not stated): TOPMed 0.00012; ESP Exome Variant Server 0.00023; 1000 Genomes Project 30x 0.00109; 1000 Genomes Project 0.00140; ExAC 0.00376; gnomAD 0.00395 and 0.00424; gnomAD exomes 0.00486.
gnomAD v4.1: 3,513 of 1,614,018 alleles (0.22%); highest among the groups gnomAD compares: Non-Finnish European, 0.019%; 72 homozygotes.

Submissions (6):

Labcorp Genetics (formerly Invitae), Labcorp
Classification: Benign for Pallister-Hall syndrome; Greig cephalopolysyndactyly syndrome. Last evaluated: 2025-10-22. Review status: criteria provided, single submitter. Criteria: Invitae Variant Classification Sherloc (09022015). Collection method: clinical testing. Allele origin: germline.

CeGaT Center for Human Genetics Tuebingen
Classification: Benign. Last evaluated: 2024-09-01. Review status: criteria provided, single submitter. Criteria: CeGaT Center For Human Genetics Tuebingen Variant Classification Criteria Version 2. Collection method: clinical testing. Allele origin: germline. Affected: yes. Observed: 1 variant allele.
Comment: GLI3: BS1, BS2

GeneDx
Classification: Benign. Last evaluated: 2022-01-09. Review status: criteria provided, single submitter. Criteria: GeneDx Variant Classification Process June 2021. Collection method: clinical testing. Allele origin: germline. Affected: yes.

Illumina Laboratory Services, Illumina
Classification: Benign for Polydactyly. Last evaluated: 2018-01-12. Review status: criteria provided, single submitter. Criteria: ICSL Variant Classification Criteria 13 December 2019. Collection method: clinical testing. Allele origin: germline.
Comment: This variant was observed in the ICSL laboratory as part of a predisposition screen in an ostensibly healthy population. It had not been previously curated by ICSL or reported in the Human Gene Mutation Database (HGMD: prior to June 1st, 2018), and was therefore a candidate for classification through an automated scoring system. Utilizing variant allele frequency, disease prevalence and penetrance estimates, and inheritance mode, an automated score was calculated to assess if this variant is too frequent to cause the disease. Based on the score and internal cut-off values, a variant classified as benign is not then subjected to further curation. The score for this variant resulted in a classification of benign for this disease.

Illumina Laboratory Services, Illumina
Classification: Benign for Pallister-Hall syndrome. Last evaluated: 2018-01-12. Review status: criteria provided, single submitter. Criteria: ICSL Variant Classification Criteria 13 December 2019. Collection method: clinical testing. Allele origin: germline.
Comment: the same text as in the submission from Illumina Laboratory Services, Illumina above.

Illumina Laboratory Services, Illumina
Classification: Benign for Greig cephalopolysyndactyly syndrome. Last evaluated: 2018-01-12. Review status: criteria provided, single submitter. Criteria: ICSL Variant Classification Criteria 13 December 2019. Collection method: clinical testing. Allele origin: germline.
Comment: the same text as in the submission from Illumina Laboratory Services, Illumina above.

NM_000168.6(GLI3):c.4510A>C (p.Ile1504Leu)

Gene: GLI3 (GLI family zinc finger 3; minus strand). Cytogenetic location: 7p14.1.
Variant type: single nucleotide variant.
Coding change: c.4510A>C on transcript NM_000168.6 (MANE Select); coding-DNA position 4510, A replaced by C.
Protein change: p.Ile1504Leu; replaces isoleucine 1504 with leucine.
Molecular consequence: missense variant.
Genome position (GRCh38, 1-based): chr7:41,964,563, T>G on the plus strand (A>C on the coding strand, the complement: GLI3 is on the minus strand). VCF-style: chr7-41964563-T-G. GRCh37 (hg19) VCF-style: chr7-42004161-T-G.
Other names: short protein forms I1504L.
Identifiers: ClinVar variation 360223 (VCV000360223.27), dbSNP rs145419251, ClinGen allele CA4230125.